The following is an entry in ClinVar:

ClinVar aggregate classification (germline): Pathogenic (1 of 4 stars; one submission).

Submission:

Labcorp Genetics (formerly Invitae), Labcorp
Classification: Pathogenic. Last evaluated: 2022-10-24. Review status: criteria provided, single submitter. Criteria: Invitae Variant Classification Sherloc (09022015). Collection method: clinical testing. Allele origin: germline.
Comment: This variant is a gross deletion of the genomic region encompassing exon(s) 1-7 of the MERTK gene, which includes the initiator codon. This deletion extends beyond the assayed region for this gene and therefore may encompass additional genes. It is expected to result in an absent or disrupted protein product. Loss-of-function variants in MERTK are known to be pathogenic (PMID: 24265693, 29659094). A similar copy number variant has been observed in individual(s) with retinitis pigmentosa (PMID: 21677792, 30416333). It is commonly reported in individuals of Faroe Islander ancestry (PMID: 21677792, 30416333). For these reasons, this variant has been classified as Pathogenic.

Literature cited by the submitters: PubMed 24265693; PubMed 29659094; PubMed 21677792; PubMed 30416333.

NC_000002.11:g.(?_112656313)_(112733049_?)del

Gene: MERTK (MER proto-oncogene, tyrosine kinase; plus strand). Cytogenetic location: 2q13.
Variant type: Deletion.
Identifiers: ClinVar variation 1072547 (VCV001072547.2).